The following is an entry in ClinVar:

ClinVar aggregate classification (germline): Conflicting classifications of pathogenicity. Review status: criteria provided, conflicting classifications (1 of 4 stars). 3 submissions from 3 submitters: Uncertain significance (2); Likely benign (1). Last evaluated 2025-08-18.

Conditions:
Hereditary cancer-predisposing syndrome. Also called: Tumor predisposition; Hereditary Cancer Syndrome; Neoplastic Syndromes, Hereditary; Hereditary neoplastic syndrome. Identifiers: Orphanet 140162, MedGen C0027672, MeSH D009386, MONDO:0015356.
Familial adenomatous polyposis 1 (FAP1). Also called: FAMILIAL ADENOMATOUS POLYPOSIS 1, ATTENUATED; POLYPOSIS, ADENOMATOUS INTESTINAL. Identifiers: MedGen C2713442, MONDO:0021056, OMIM 175100. Disease mechanism: loss of function.

Allele frequency attached by ClinVar (database versions not stated): ExAC 0.00001; gnomAD exomes 0.00001.
gnomAD v4.1: 4 of 1,612,472 alleles (0.00025%); highest among the groups gnomAD compares: Middle Eastern, 0.017%; no homozygotes.

Submissions (3):

Labcorp Genetics (formerly Invitae), Labcorp
Classification: Uncertain significance for Familial adenomatous polyposis 1. Last evaluated: 2025-08-18. Review status: criteria provided, single submitter. Criteria: Invitae Variant Classification Sherloc (09022015). Collection method: clinical testing. Allele origin: germline.
Comment: This sequence change replaces serine, which is neutral and polar, with isoleucine, which is neutral and non-polar, at codon 295 of the APC protein (p.Ser295Ile). This variant is present in population databases (rs752996559, gnomAD 0.006%). This variant has not been reported in the literature in individuals affected with APC-related conditions. ClinVar contains an entry for this variant (Variation ID: 822775). Invitae Evidence Modeling of protein sequence and biophysical properties (such as structural, functional, and spatial information, amino acid conservation, physicochemical variation, residue mobility, and thermodynamic stability) indicates that this missense variant is not expected to disrupt APC protein function with a negative predictive value of 95%. In summary, the available evidence is currently insufficient to determine the role of this variant in disease. Therefore, it has been classified as a Variant of Uncertain Significance.

Color Diagnostics, LLC DBA Color Health
Classification: Uncertain significance for Hereditary cancer-predisposing syndrome. Last evaluated: 2023-01-24. Review status: criteria provided, single submitter. Criteria: ACMG Guidelines, 2015. Collection method: clinical testing. Allele origin: germline.
Comment: This missense variant replaces serine with isoleucine at codon 295 of the APC protein. Computational prediction suggests that this variant may not impact protein structure and function (internally defined REVEL score threshold <= 0.5, PMID: 27666373). To our knowledge, functional studies have not been reported for this variant. This variant has not been reported in individuals affected with APC-related disorders in the literature. This variant has been identified in 2/251102 chromosomes in the general population by the Genome Aggregation Database (gnomAD). The available evidence is insufficient to determine the role of this variant in disease conclusively. Therefore, this variant is classified as a Variant of Uncertain Significance.

Ambry Genetics
Classification: Likely benign for Hereditary cancer-predisposing syndrome. Last evaluated: 2022-03-24. Review status: criteria provided, single submitter. Criteria: Ambry Variant Classification Scheme 2023. Collection method: clinical testing. Allele origin: germline.

NM_000038.6(APC):c.884G>T (p.Ser295Ile)

Gene: APC (APC regulator of Wnt signaling pathway; plus strand). Cytogenetic location: 5q22.2.
Variant type: single nucleotide variant.
Coding change: c.884G>T on transcript NM_000038.6 (MANE Select); coding-DNA position 884, G replaced by T.
Protein change: p.Ser295Ile; replaces serine 295 with isoleucine.
Molecular consequence: missense variant.
Genome position (GRCh38, 1-based): chr5:112,815,544, G>T. VCF-style: chr5-112815544-G-T. GRCh37 (hg19) VCF-style: chr5-112151241-G-T.
Other names: c.884G>T, p.Ser295Ile (NM_001127510.3, NM_001354895.2, NM_001354896.2 and 1 more transcripts); c.830G>T, p.Ser277Ile (NM_001127511.3); c.914G>T, p.Ser305Ile (NM_001354897.2, NM_001354902.2); c.809G>T, p.Ser270Ile (NM_001354898.2, NM_001354904.2); c.800G>T, p.Ser267Ile (NM_001354899.2); c.707G>T, p.Ser236Ile (NM_001354900.2, NM_001354901.2, NM_001354905.2); c.35G>T, p.Ser12Ile (NM_001354906.2); short protein forms S12I, S236I, S267I, S270I, S305I, S295I, S277I.
Identifiers: ClinVar variation 822775 (VCV000822775.16), dbSNP rs752996559, ClinGen allele CA051048.